The following is an entry in ClinVar:

NM_004006.3(DMD):c.1915A>C (p.Lys639Gln)

Gene: DMD (dystrophin; minus strand). Cytogenetic location: Xp21.1.
Variant type: single nucleotide variant.
Coding change: c.1915A>C on transcript NM_004006.3 (MANE Select); coding-DNA position 1915, A replaced by C.
Protein change: p.Lys639Gln; replaces lysine 639 with glutamine.
Molecular consequence: missense variant.
Genome position (GRCh38, 1-based): chrX:32,565,779, T>G on the plus strand (A>C on the coding strand, the complement: DMD is on the minus strand). VCF-style: chrX-32565779-T-G. GRCh37 (hg19) VCF-style: chrX-32583896-T-G.
Other names: c.1891A>C, p.Lys631Gln (NM_000109.4); c.1903A>C, p.Lys635Gln (NM_004009.3); c.1546A>C, p.Lys516Gln (NM_004010.3); short protein forms K516Q, K639Q, K631Q, K635Q.
Identifiers: ClinVar variation 1482133 (VCV001482133.7), dbSNP rs2149094935, ClinGen allele CA412672608.

ClinVar aggregate classification (germline): Conflicting classifications of pathogenicity. Review status: criteria provided, conflicting classifications (1 of 4 stars). 3 submissions from 3 submitters: Uncertain significance (2); Likely benign (1). Last evaluated 2024-01-02.

Conditions:
Dilated cardiomyopathy 3B (CMD3B). Also called: CMD3B: DMD-Related Dilated Cardiomyopathy; CARDIOMYOPATHY, DILATED, X-LINKED; DMD-Associated Dilated Cardiomyopathy. Identifiers: Orphanet 154, MedGen C3668940, MONDO:0010542, OMIM 302045.
Becker muscular dystrophy (BMD). Also called: Becker Muscular Dystrophy (BMD); MUSCULAR DYSTROPHY, PSEUDOHYPERTROPHIC PROGRESSIVE, BECKER TYPE. Identifiers: Orphanet 98895, MedGen C0917713, MONDO:0010311, OMIM 300376.
Duchenne muscular dystrophy (DMD). Also called: Duchenne Muscular Dystrophy (DMD); MUSCULAR DYSTROPHY, PSEUDOHYPERTROPHIC PROGRESSIVE, DUCHENNE TYPE. Identifiers: Orphanet 98896, MedGen C0013264, MONDO:0010679, OMIM 310200.
Cardiovascular phenotype. Identifiers: MedGen CN230736.

gnomAD v4.1: 4 of 1,211,648 alleles (0.00033%); highest among the groups gnomAD compares: Non-Finnish European, 0.00045%; no homozygotes.

Submissions (3):

Ambry Genetics
Classification: Likely benign for Cardiovascular phenotype. Last evaluated: 2024-01-02. Review status: criteria provided, single submitter. Criteria: Ambry Variant Classification Scheme 2023. Collection method: clinical testing. Allele origin: germline.

Labcorp Genetics (formerly Invitae), Labcorp
Classification: Uncertain significance for Duchenne muscular dystrophy. Last evaluated: 2022-03-13. Review status: criteria provided, single submitter. Criteria: Invitae Variant Classification Sherloc (09022015). Collection method: clinical testing. Allele origin: germline.
Comment: This sequence change replaces lysine, which is basic and polar, with glutamine, which is neutral and polar, at codon 639 of the DMD protein (p.Lys639Gln). This variant is not present in population databases (gnomAD no frequency). This variant has not been reported in the literature in individuals affected with DMD-related conditions. Algorithms developed to predict the effect of missense changes on protein structure and function are either unavailable or do not agree on the potential impact of this missense change (SIFT: "Deleterious"; PolyPhen-2: "Possibly Damaging"; Align-GVGD: "Class C0"). In summary, the available evidence is currently insufficient to determine the role of this variant in disease. Therefore, it has been classified as a Variant of Uncertain Significance.

Fulgent Genetics
Classification: Uncertain significance for Becker muscular dystrophy; Dilated cardiomyopathy 3B; Duchenne muscular dystrophy. Last evaluated: 2021-09-09. Review status: criteria provided, single submitter. Criteria: ACMG Guidelines, 2015. Collection method: clinical testing. Allele origin: unknown.